The following is an entry in ClinVar:

ClinVar aggregate classification (germline): Pathogenic (1 of 4 stars; one submission).

Conditions:
Primary ciliary dyskinesia. Also called: Ciliary dyskinesia. Identifiers: Orphanet 244, MedGen C0008780, MONDO:0016575, HP:0012265.

Submission:

Labcorp Genetics (formerly Invitae), Labcorp
Classification: Pathogenic for Primary ciliary dyskinesia. Last evaluated: 2022-06-09. Review status: criteria provided, single submitter. Criteria: Invitae Variant Classification Sherloc (09022015). Collection method: clinical testing. Allele origin: germline.
Comment: For these reasons, this variant has been classified as Pathogenic. This variant has not been reported in the literature in individuals affected with DNAH5-related conditions. This variant is not present in population databases (gnomAD no frequency). This sequence change creates a premature translational stop signal (p.Asp142Glufs*7) in the DNAH5 gene. It is expected to result in an absent or disrupted protein product. Loss-of-function variants in DNAH5 are known to be pathogenic (PMID: 11788826, 16627867).

Literature cited by the submitters: PubMed 11788826; PubMed 16627867.

NM_001369.3(DNAH5):c.426_427delinsG (p.Asp142fs)

Gene: DNAH5 (dynein axonemal heavy chain 5; minus strand). Cytogenetic location: 5p15.2.
Variant type: Indel.
Coding change: c.426_427delinsG on transcript NM_001369.3 (MANE Select); coding-DNA positions 426 to 427, CA replaced by G.
Protein change: p.Asp142fs; shifts the reading frame from aspartic acid 142.
Molecular consequence: frameshift variant.
Genome position (GRCh38, 1-based): chr5:13,923,291-13,923,292, TG replaced by C on the plus strand (CA replaced by G on the coding strand, the reverse complement: DNAH5 is on the minus strand). VCF-style: chr5-13923291-TG-C. GRCh37 (hg19) VCF-style: chr5-13923400-TG-C.
Other names: short protein forms D142fs.
Identifiers: ClinVar variation 971729 (VCV000971729.6), dbSNP rs1777499541, ClinGen allele CA1139658753.